The following is an entry in ClinVar:

ClinVar aggregate classification (germline): Benign. Review status: criteria provided, single submitter (1 of 4 stars). 2 submissions from 2 submitters: Benign (1). 1 of the submissions does not count toward it. Last evaluated 2026-02-02.

Conditions:
ACOX2-related disorder. Also called: ACOX2-related condition.

Allele frequency attached by ClinVar (database versions not stated): TOPMed 0.00063; ExAC 0.00084; gnomAD exomes 0.00099; 1000 Genomes Project 30x 0.00203; 1000 Genomes Project 0.00240.

Submissions (2):

Labcorp Genetics (formerly Invitae), Labcorp
Classification: Benign. Last evaluated: 2026-02-02. Review status: criteria provided, single submitter. Criteria: Invitae Variant Classification Sherloc (09022015). Collection method: clinical testing. Allele origin: germline.

PreventionGenetics, part of Exact Sciences
Classification: Benign for ACOX2-related condition. Last evaluated: 2019-04-01. Review status: no assertion criteria provided. Collection method: clinical testing. Allele origin: germline. Not counted in ClinVar's aggregate classification.
Comment: This variant is classified as benign based on ACMG/AMP sequence variant interpretation guidelines (Richards et al. 2015 PMID: 25741868, with internal and published modifications).

NM_003500.4(ACOX2):c.867C>T (p.Asn289=)

Gene: ACOX2 (acyl-CoA oxidase 2; minus strand). Cytogenetic location: 3p14.3.
Variant type: single nucleotide variant.
Coding change: c.867C>T on transcript NM_003500.4 (MANE Select); coding-DNA position 867, C replaced by T.
Protein change: p.Asn289=; no amino-acid change (asparagine 289 retained).
Molecular consequence: synonymous variant.
Genome position (GRCh38, 1-based): chr3:58,530,591, G>A on the plus strand (C>T on the coding strand, the complement: ACOX2 is on the minus strand). VCF-style: chr3-58530591-G-A. GRCh37 (hg19) VCF-style: chr3-58516318-G-A.
Identifiers: ClinVar variation 722318 (VCV000722318.11), dbSNP rs181768469, ClinGen allele CA2472246.